The following is an entry in ClinVar:

NM_005458.8(GABBR2):c.1770+7A>G

Gene: GABBR2 (gamma-aminobutyric acid type B receptor subunit 2; minus strand). Cytogenetic location: 9q22.33.
Variant type: single nucleotide variant.
Coding change: c.1770+7A>G on transcript NM_005458.8 (MANE Select); 7 bases into the intron after coding-DNA position 1770, A replaced by G.
Molecular consequence: intron variant.
Genome position (GRCh38, 1-based): chr9:98,371,457, T>C on the plus strand (A>G on the coding strand, the complement: GABBR2 is on the minus strand). VCF-style: chr9-98371457-T-C. GRCh37 (hg19) VCF-style: chr9-101133739-T-C.
Identifiers: ClinVar variation 1545381 (VCV001545381.30), dbSNP rs1263069525, ClinGen allele CA869063504.

ClinVar aggregate classification (germline): Likely benign. Review status: criteria provided, multiple submitters, no conflicts (2 of 4 stars). 2 submissions from 2 submitters: Likely benign (2). Last evaluated 2025-09-17.

Conditions:
Epileptic encephalopathy. Identifiers: MedGen C0543888, HP:0200134.

Allele frequency attached by ClinVar (database versions not stated): gnomAD 0.00001 and 0.00002; TOPMed 0.00001.
gnomAD v4.1: 7 of 1,380,054 alleles (0.00051%); highest among the groups gnomAD compares: Admixed American, 0.0034%; no homozygotes.

Submissions (2):

Labcorp Genetics (formerly Invitae), Labcorp
Classification: Likely benign for Epileptic encephalopathy. Last evaluated: 2025-09-17. Review status: criteria provided, single submitter. Criteria: Invitae Variant Classification Sherloc (09022015). Collection method: clinical testing. Allele origin: germline.

CeGaT Center for Human Genetics Tuebingen
Classification: Likely benign. Last evaluated: 2024-01-01. Review status: criteria provided, single submitter. Criteria: CeGaT Center For Human Genetics Tuebingen Variant Classification Criteria Version 2. Collection method: clinical testing. Allele origin: germline. Affected: yes. Observed: 1 variant allele.
Comment: GABBR2: BP4